The following is an entry in ClinVar:

NM_004380.3(CREBBP):c.5656A>T (p.Thr1886Ser)

Gene: CREBBP (CREB binding protein; minus strand). Cytogenetic location: 16p13.3.
Variant type: single nucleotide variant.
Coding change: c.5656A>T on transcript NM_004380.3 (MANE Select); coding-DNA position 5656, A replaced by T.
Protein change: p.Thr1886Ser; replaces threonine 1886 with serine.
Molecular consequence: missense variant.
Genome position (GRCh38, 1-based): chr16:3,729,391, T>A on the plus strand (A>T on the coding strand, the complement: CREBBP is on the minus strand). VCF-style: chr16-3729391-T-A. GRCh37 (hg19) VCF-style: chr16-3779392-T-A.
Other names: c.5542A>T, p.Thr1848Ser (NM_001079846.1); short protein forms T1848S, T1886S.
Identifiers: ClinVar variation 2430995 (VCV002430995.1), dbSNP rs778824051, ClinGen allele CA394555809.

ClinVar aggregate classification (germline): Uncertain significance (1 of 4 stars; one submission).

Submission:

GeneDx
Classification: Uncertain significance. Last evaluated: 2022-08-17. Review status: criteria provided, single submitter. Criteria: GeneDx Variant Classification Process June 2021. Collection method: clinical testing. Allele origin: germline. Affected: yes.
Comment: Not observed at significant frequency in large population cohorts (gnomAD); In silico analysis supports that this missense variant does not alter protein structure/function; Has not been previously published as pathogenic or benign to our knowledge